The following is an entry in ClinVar:

ClinVar aggregate classification (germline): Pathogenic (1 of 4 stars; one submission).

Conditions:
MEGF8-related Carpenter syndrome. Also called: Carpenter syndrome 2. Identifiers: Orphanet 65759, MedGen C3554247, MONDO:0013998, OMIM 614976.

Submission:

Labcorp Genetics (formerly Invitae), Labcorp
Classification: Pathogenic for MEGF8-related Carpenter syndrome. Last evaluated: 2023-02-14. Review status: criteria provided, single submitter. Criteria: Invitae Variant Classification Sherloc (09022015). Collection method: clinical testing. Allele origin: germline.
Comment: This variant is a gross deletion of the genomic region encompassing exon(s) 39 of the MEGF8 gene. This deletion is out-of-frame, and is expected to create a premature termination codon and result in an absent or disrupted protein product. Loss-of-function variants in MEGF8 are known to be pathogenic (PMID: 23063620). This variant has not been reported in the literature in individuals affected with MEGF8-related conditions. For these reasons, this variant has been classified as Pathogenic.

Literature cited by the submitters: PubMed 23063620.

NC_000019.10:g.(?_42370701)_(42370831_?)del

Gene: MEGF8 (multiple EGF like domains 8; plus strand). Cytogenetic location: 19q13.2.
Variant type: Deletion.
Identifiers: ClinVar variation 584047 (VCV000584047.5).